The following is an entry in ClinVar:

NM_003801.4(GPAA1):c.1452G>T (p.Arg484=)

Gene: GPAA1 (glycosylphosphatidylinositol anchor attachment 1; plus strand). Cytogenetic location: 8q24.3.
Variant type: single nucleotide variant.
Coding change: c.1452G>T on transcript NM_003801.4 (MANE Select); coding-DNA position 1452, G replaced by T.
Protein change: p.Arg484=; no amino-acid change (arginine 484 retained).
Molecular consequence: synonymous variant.
Genome position (GRCh38, 1-based): chr8:144,085,573, G>T. VCF-style: chr8-144085573-G-T. GRCh37 (hg19) VCF-style: chr8-145140476-G-T.
Identifiers: ClinVar variation 1379977 (VCV001379977.6), dbSNP rs1835983500, ClinGen allele CA463541449.
Genomic context (GRCh38, chr8:144,085,573, plus strand): 5'-TAGAGGTCCCCTGGACATGCAGACAGCTTGTGGGTTGCCTCTGAGTCCTTTGTCTTACAG[G>T]GTGGTAAGCACACAGGCCCCAGACAGGGGCTGGATGGCACTGAAGCTGGTAGCCCTGATC-3'
Protein context (NP_003792.1, residues 474-494): AGLALPHNTH[Arg484=]VVSTQAPDRG

ClinVar aggregate classification (germline): Uncertain significance (1 of 4 stars; one submission).

Submission:

Labcorp Genetics (formerly Invitae), Labcorp
Classification: Uncertain significance. Last evaluated: 2022-07-06. Review status: criteria provided, single submitter. Criteria: Invitae Variant Classification Sherloc (09022015). Collection method: clinical testing. Allele origin: germline.
Comment: This sequence change affects codon 484 of the GPAA1 mRNA. It is a 'silent' change, meaning that it does not change the encoded amino acid sequence of the GPAA1 protein. It affects a nucleotide within the consensus splice site. This variant has not been reported in the literature in individuals affected with GPAA1-related conditions. This variant is not present in population databases (gnomAD no frequency). ClinVar contains an entry for this variant (Variation ID: 1379977). Algorithms developed to predict the effect of sequence changes on RNA splicing suggest that this variant is not likely to affect RNA splicing. In summary, the available evidence is currently insufficient to determine the role of this variant in disease. Therefore, it has been classified as a Variant of Uncertain Significance.